The following is an entry in ClinVar:

ClinVar aggregate classification (germline): Conflicting classifications of pathogenicity. Review status: criteria provided, conflicting classifications (1 of 4 stars). 4 submissions from 4 submitters: Likely pathogenic (2); Uncertain significance (2). Last evaluated 2025-12-03.

Conditions:
Marfan syndrome (MFS). Also called: Marfan syndrome, classic; FBN1-Related Marfan Syndrome; Marfan syndrome type 1; Marfan's syndrome; MARFAN SYNDROME, TYPE I. Identifiers: Orphanet 284963, Orphanet 558, MedGen C0024796, MONDO:0007947, OMIM 154700.
Familial thoracic aortic aneurysm and aortic dissection (TAAD). Also called: Thoracic aortic aneurysms and dissections. Identifiers: Orphanet 91387, MedGen C4707243, MONDO:0019625.

Submissions (4):

GeneDx
Classification: Uncertain significance. Last evaluated: 2025-12-03. Review status: criteria provided, single submitter. Criteria: GeneDx Variant Classification Process June 2021. Collection method: clinical testing. Allele origin: germline.
Comment: Not observed at significant frequency in large population cohorts (gnomAD); In silico analysis is inconclusive as to whether the variant alters gene splicing. In the absence of RNA/functional studies, the actual effect of this sequence change is unknown.; This variant is associated with the following publications: (PMID: 24793577)

Ambry Genetics
Classification: Likely pathogenic for Familial thoracic aortic aneurysm and aortic dissection. Last evaluated: 2025-08-29. Review status: criteria provided, single submitter. Criteria: Ambry Variant Classification Scheme 2023. Collection method: clinical testing. Allele origin: germline.
Comment: The c.6997+4A>G intronic variant results from an A to G substitution 4 nucleotides after coding exon 56 in the FBN1 gene. This variant was reported in individual(s) with features consistent with Marfan syndrome (Lerner-Ellis JP et al. Mol Genet Metab, 2014 Jun;112:171-6; Ambry internal data). This nucleotide position is well conserved in available vertebrate species. In silico splice site analysis predicts that this alteration may result in the weakening of the native splice donor site and will result in the creation or strengthening of a novel splice donor site. RNA studies have demonstrated that this alteration results in abnormal splicing in the set of samples tested (Ambry internal data). This variant is considered to be rare based on population cohorts in the Genome Aggregation Database (gnomAD). Based on the majority of available evidence to date, this variant is likely to be pathogenic.

Labcorp Genetics (formerly Invitae), Labcorp
Classification: Likely pathogenic for Marfan syndrome; Familial thoracic aortic aneurysm and aortic dissection. Last evaluated: 2023-10-26. Review status: criteria provided, single submitter. Criteria: Invitae Variant Classification Sherloc (09022015). Collection method: clinical testing. Allele origin: germline.
Comment: This sequence change falls in intron 57 of the FBN1 gene. It does not directly change the encoded amino acid sequence of the FBN1 protein. It affects a nucleotide within the consensus splice site. This variant is not present in population databases (gnomAD no frequency). This variant has been observed in individuals with clinical features of FBN1-related conditions (PMID: 24793577; Invitae). It has also been observed to segregate with disease in related individuals. ClinVar contains an entry for this variant (Variation ID: 163464). Variants that disrupt the consensus splice site are a relatively common cause of aberrant splicing (PMID: 17576681, 9536098). Algorithms developed to predict the effect of sequence changes on RNA splicing suggest that this variant may disrupt the consensus splice site. In summary, the currently available evidence indicates that the variant is pathogenic, but additional data are needed to prove that conclusively. Therefore, this variant has been classified as Likely Pathogenic.

Laboratory for Molecular Medicine, Mass General Brigham Personalized Medicine
Classification: Uncertain significance. Last evaluated: 2016-02-01. Review status: criteria provided, single submitter. Criteria: LMM Criteria. Collection method: clinical testing. Allele origin: germline. Observed: 1 variant allele.
Comment: proposed classification - variant undergoing re-assessment, contact laboratory

Literature cited by the submitters: PubMed 24793577 (cited by 3 submitters); PubMed 17576681 (cited by Labcorp Genetics (formerly Invitae), Labcorp); PubMed 9536098 (cited by Labcorp Genetics (formerly Invitae), Labcorp).

NM_000138.5(FBN1):c.6997+4A>G

Gene: FBN1 (fibrillin 1; minus strand). Cytogenetic location: 15q21.1.
Variant type: single nucleotide variant.
Coding change: c.6997+4A>G on transcript NM_000138.5 (MANE Select); 4 bases into the intron after coding-DNA position 6997, A replaced by G.
Molecular consequence: intron variant.
Genome position (GRCh38, 1-based): chr15:48,428,342, T>C on the plus strand (A>G on the coding strand, the complement: FBN1 is on the minus strand). VCF-style: chr15-48428342-T-C. GRCh37 (hg19) VCF-style: chr15-48720539-T-C.
Identifiers: ClinVar variation 163464 (VCV000163464.16), dbSNP rs727503055, ClinGen allele CA016901.